The following is an entry in ClinVar:

NM_152564.5(VPS13B):c.3000T>G (p.Ile1000Met)

Gene: VPS13B (vacuolar protein sorting 13 homolog B; plus strand). Cytogenetic location: 8q22.2.
Variant type: single nucleotide variant.
Coding change: c.3000T>G on transcript NM_152564.5 (MANE Select); coding-DNA position 3000, T replaced by G.
Protein change: p.Ile1000Met; replaces isoleucine 1000 with methionine.
Molecular consequence: missense variant.
Genome position (GRCh38, 1-based): chr8:99,391,622, T>G. VCF-style: chr8-99391622-T-G. GRCh37 (hg19) VCF-style: chr8-100403850-T-G.
Other names: c.3000T>G, p.Ile1000Met (NM_017890.5); c.3000T>G (NM_152564.4); short protein forms I1000M.
Identifiers: ClinVar variation 1023636 (VCV001023636.7), dbSNP rs1465563233, ClinGen allele CA371865708.

ClinVar aggregate classification (germline): Uncertain significance. Review status: criteria provided, multiple submitters, no conflicts (2 of 4 stars). 2 submissions from 2 submitters: Uncertain significance (2). Last evaluated 2026-02-03.

Conditions:
VPS13B-related disorder. Also called: VPS13B-related condition.
Cohen syndrome (COH1). Also called: Cutis verticis gyrata, retinitis pigmentosa, and sensorineural deafness; PEPPER SYNDROME. Identifiers: Orphanet 193, MedGen C0265223, MONDO:0008999, OMIM 216550.

Allele frequency attached by ClinVar (database versions not stated): gnomAD exomes below 0.00001; gnomAD 0.00001; TOPMed 0.00002.
gnomAD v4.1: 3 of 1,614,040 alleles (0.00019%); highest among the groups gnomAD compares: African/African-American, 0.004%; no homozygotes.

Submissions (2):

PreventionGenetics, part of Exact Sciences
Classification: Uncertain significance for VPS13B-related condition. Last evaluated: 2026-02-03. Review status: criteria provided, single submitter. Criteria: ACMG Guidelines, 2015. Collection method: clinical testing. Allele origin: germline.
Comment: The VPS13B c.3000T>G variant is predicted to result in the amino acid substitution p.Ile1000Met. To our knowledge, this variant has not been reported in the literature. This variant is reported in 0.0062% of alleles in individuals of African descent in gnomAD. At this time, the clinical significance of this variant is uncertain due to the absence of conclusive functional and genetic evidence.

Labcorp Genetics (formerly Invitae), Labcorp
Classification: Uncertain significance for Cohen syndrome. Last evaluated: 2022-08-23. Review status: criteria provided, single submitter. Criteria: Invitae Variant Classification Sherloc (09022015). Collection method: clinical testing. Allele origin: germline.
Comment: This sequence change replaces isoleucine, which is neutral and non-polar, with methionine, which is neutral and non-polar, at codon 1000 of the VPS13B protein (p.Ile1000Met). This variant is present in population databases (no rsID available, gnomAD 0.007%). This variant has not been reported in the literature in individuals affected with VPS13B-related conditions. ClinVar contains an entry for this variant (Variation ID: 1023636). Algorithms developed to predict the effect of missense changes on protein structure and function are either unavailable or do not agree on the potential impact of this missense change (SIFT: "Not Available"; PolyPhen-2: "Benign"; Align-GVGD: "Not Available"). In summary, the available evidence is currently insufficient to determine the role of this variant in disease. Therefore, it has been classified as a Variant of Uncertain Significance.